The following is an entry in ClinVar:

NM_006859.4(LIAS):c.659T>C (p.Leu220Pro)

Gene: LIAS (lipoic acid synthetase; plus strand). Cytogenetic location: 4p14.
Variant type: single nucleotide variant.
Coding change: c.659T>C on transcript NM_006859.4 (MANE Select); coding-DNA position 659, T replaced by C.
Protein change: p.Leu220Pro; replaces leucine 220 with proline.
Molecular consequence: missense variant. On other transcripts: intron variant (1).
Genome position (GRCh38, 1-based): chr4:39,467,568, T>C. VCF-style: chr4-39467568-T-C. GRCh37 (hg19) VCF-style: chr4-39469188-T-C.
Other names: c.350T>C, p.Leu117Pro (NM_001363700.2); c.659T>C, p.Leu220Pro (NM_194451.3); c.608+2226T>C (NM_001278590.2); short protein forms L117P, L220P.
Identifiers: ClinVar variation 1952263 (VCV001952263.5), dbSNP rs1305210612, ClinGen allele CA356664941.

ClinVar aggregate classification (germline): Uncertain significance (1 of 4 stars; one submission).

Conditions:
Lipoic acid synthetase deficiency. Also called: HYPERGLYCINEMIA, LACTIC ACIDOSIS, AND SEIZURES. Identifiers: Orphanet 401859, MedGen C3280887, MONDO:0013762, OMIM 614462.

Allele frequency attached by ClinVar (database versions not stated): gnomAD exomes below 0.00001.
gnomAD v4.1: 1 of 1,608,278 alleles (0.000062%); highest among the groups gnomAD compares: Admixed American, 0.0017%; no homozygotes.

Submission:

Labcorp Genetics (formerly Invitae), Labcorp
Classification: Uncertain significance for Lipoic acid synthetase deficiency. Last evaluated: 2022-11-08. Review status: criteria provided, single submitter. Criteria: Invitae Variant Classification Sherloc (09022015). Collection method: clinical testing. Allele origin: germline.
Comment: In summary, the available evidence is currently insufficient to determine the role of this variant in disease. Therefore, it has been classified as a Variant of Uncertain Significance. Advanced modeling of protein sequence and biophysical properties (such as structural, functional, and spatial information, amino acid conservation, physicochemical variation, residue mobility, and thermodynamic stability) performed at Invitae indicates that this missense variant is not expected to disrupt LIAS protein function. This variant has not been reported in the literature in individuals affected with LIAS-related conditions. This variant is not present in population databases (gnomAD no frequency). This sequence change replaces leucine, which is neutral and non-polar, with proline, which is neutral and non-polar, at codon 220 of the LIAS protein (p.Leu220Pro).